The following is an entry in ClinVar:

ClinVar aggregate classification (germline): Conflicting classifications of pathogenicity. Review status: criteria provided, conflicting classifications (1 of 4 stars). 2 submissions from 2 submitters: Uncertain significance (1); Likely benign (1). Last evaluated 2024-09-26.

Conditions:
Renal cell carcinoma. Identifiers: Orphanet 217071, MedGen C0007134, MeSH D002292, MONDO:0005086, HP:0005584.
Hereditary cancer-predisposing syndrome. Also called: Hereditary Cancer Syndrome; Tumor predisposition; Neoplastic Syndromes, Hereditary; Hereditary neoplastic syndrome. Identifiers: Orphanet 140162, MedGen C0027672, MeSH D009386, MONDO:0015356.

Submissions (2):

Ambry Genetics
Classification: Likely benign for Hereditary cancer-predisposing syndrome. Last evaluated: 2024-09-26. Review status: criteria provided, single submitter. Criteria: Ambry Variant Classification Scheme 2023. Collection method: clinical testing. Allele origin: germline.

Labcorp Genetics (formerly Invitae), Labcorp
Classification: Uncertain significance for Renal cell carcinoma. Last evaluated: 2024-01-25. Review status: criteria provided, single submitter. Criteria: Invitae Variant Classification Sherloc (09022015). Collection method: clinical testing. Allele origin: germline.
Comment: This sequence change replaces threonine, which is neutral and polar, with asparagine, which is neutral and polar, at codon 124 of the MET protein (p.Thr124Asn). This variant is not present in population databases (gnomAD no frequency). This variant has not been reported in the literature in individuals affected with MET-related conditions. Advanced modeling of protein sequence and biophysical properties (such as structural, functional, and spatial information, amino acid conservation, physicochemical variation, residue mobility, and thermodynamic stability) performed at Invitae indicates that this missense variant is not expected to disrupt MET protein function with a negative predictive value of 80%. In summary, the available evidence is currently insufficient to determine the role of this variant in disease. Therefore, it has been classified as a Variant of Uncertain Significance.

NM_000245.4(MET):c.371C>A (p.Thr124Asn)

Gene: MET (MET proto-oncogene, receptor tyrosine kinase; plus strand). Cytogenetic location: 7q31.2.
Variant type: single nucleotide variant.
Coding change: c.371C>A on transcript NM_000245.4 (MANE Select); coding-DNA position 371, C replaced by A.
Protein change: p.Thr124Asn; replaces threonine 124 with asparagine.
Molecular consequence: missense variant. On other transcripts: intron variant (1).
Genome position (GRCh38, 1-based): chr7:116,699,455, C>A. VCF-style: chr7-116699455-C-A. GRCh37 (hg19) VCF-style: chr7-116339509-C-A.
Other names: c.371C>A, p.Thr124Asn (NM_001127500.3, NM_001324401.3); c.-91+26878C>A (NM_001324402.2); short protein forms T124N.
Identifiers: ClinVar variation 2729188 (VCV002729188.4), dbSNP rs1791477416, ClinGen allele CA368968927.